The following is an entry in ClinVar:

NM_080680.3(COL11A2):c.4288G>A (p.Asp1430Asn)

Gene: COL11A2 (collagen type XI alpha 2 chain; minus strand). Cytogenetic location: 6p21.32.
Variant type: single nucleotide variant.
Coding change: c.4288G>A on transcript NM_080680.3 (MANE Select); coding-DNA position 4288, G replaced by A.
Protein change: p.Asp1430Asn; replaces aspartic acid 1430 with asparagine.
Molecular consequence: missense variant.
Genome position (GRCh38, 1-based): chr6:33,166,770, C>T on the plus strand (G>A on the coding strand, the complement: COL11A2 is on the minus strand). VCF-style: chr6-33166770-C-T. GRCh37 (hg19) VCF-style: chr6-33134547-C-T.
Other names: c.4108G>A, p.Asp1370Asn (NM_001424108.1); c.3442G>A, p.Asp1148Asn (NM_001424109.1); c.3262G>A, p.Asp1088Asn (NM_001424110.1, NM_001424111.1); c.2242G>A, p.Asp748Asn (NM_001424112.1); c.3967G>A, p.Asp1323Asn (NM_080679.3); c.4030G>A, p.Asp1344Asn (NM_080681.3); short protein forms D1344N, D1430N, D1370N, D748N, D1088N, D1148N, D1323N.
Identifiers: ClinVar variation 2824628 (VCV002824628.3), dbSNP rs985479138, ClinGen allele CA363620568.

ClinVar aggregate classification (germline): Uncertain significance (1 of 4 stars; one submission).

Submission:

Labcorp Genetics (formerly Invitae), Labcorp
Classification: Uncertain significance. Last evaluated: 2022-12-28. Review status: criteria provided, single submitter. Criteria: Invitae Variant Classification Sherloc (09022015). Collection method: clinical testing. Allele origin: germline.
Comment: This variant is not present in population databases (gnomAD no frequency). In summary, the available evidence is currently insufficient to determine the role of this variant in disease. Therefore, it has been classified as a Variant of Uncertain Significance. Advanced modeling of protein sequence and biophysical properties (such as structural, functional, and spatial information, amino acid conservation, physicochemical variation, residue mobility, and thermodynamic stability) performed at Invitae indicates that this missense variant is not expected to disrupt COL11A2 protein function. This variant has not been reported in the literature in individuals affected with COL11A2-related conditions. This sequence change replaces aspartic acid, which is acidic and polar, with asparagine, which is neutral and polar, at codon 1430 of the COL11A2 protein (p.Asp1430Asn).